The following is an entry in ClinVar:

ClinVar aggregate classification (germline): Benign (1 of 4 stars; one submission).

Submission:

Women's Health and Genetics/Laboratory Corporation of America, LabCorp
Classification: Benign. Last evaluated: 2026-04-16. Review status: criteria provided, single submitter. Criteria: LabCorp Variant Classification Summary - May 2015. Collection method: clinical testing. Allele origin: germline.
Comment: Variant summary: CARD14 c.2808-18delC alters a nucleotide located at a position not widely known to affect splicing. Consensus agreement among computation tools predict no significant impact on normal splicing. However, these predictions have yet to be confirmed by functional studies. The variant allele was found at a frequency of 0.00025 in 1217262 control chromosomes in the gnomAD database, including 1 homozygote. The observed variant frequency exceeds the estimated maximal expected allele frequency for disease-causing variants in CARD14. To our knowledge, no occurrence of c.2808-18delC in individuals affected with CARD14-related conditions and no experimental evidence demonstrating its impact on protein function have been reported. No submitters have cited clinical-significance assessments for this variant to ClinVar. Based on the evidence outlined above, the variant was classified as benign.

NM_001366385.1(CARD14):c.2808-18del

Genes: CARD14 (caspase recruitment domain family member 14; plus strand), SGSH (N-sulfoglucosamine sulfohydrolase; minus strand). Cytogenetic location: 17q25.3.
Variant type: Deletion.
Coding change: c.2808-18del on transcript NM_001366385.1 (MANE Select); 18 bases into the intron before coding-DNA position 2808, one base deleted (C; older notation c.2808-18delC).
Molecular consequence: intron variant.
Genome position (GRCh38, 1-based): chr17:80,208,120, C deleted; the last of 8 consecutive C bases (chr17:80,208,113-80,208,120); deleting any one gives the same sequence. VCF-style (leftmost placement, unchanged base first): chr17-80208112-GC-G. GRCh37 (hg19) VCF-style: chr17-78181911-GC-G.
Other names: c.2808-18delC (NM_024110.4); c.2808-18del (NM_024110.4).
Identifiers: ClinVar variation 4848505 (VCV004848505.1).
Genomic context (GRCh38, chr17:80,208,112, plus strand): 5'-TGGGTGCATGTCATCACTACCCTAGCCAGGGCTCCTGGGCCCTTGCTCTCCCCTGAGCCC[GC>G]CCCCCCCAACTCTGGCCTGTGCAGGAAGGGCCTACAGCGGTTGGGCACCTCAGAGGAGCA-3'